The following is an entry in ClinVar:

NM_006084.5(IRF9):c.389C>T (p.Pro130Leu)

Gene: IRF9 (interferon regulatory factor 9; plus strand). Cytogenetic location: 14q12.
Variant type: single nucleotide variant.
Coding change: c.389C>T on transcript NM_006084.5 (MANE Select); coding-DNA position 389, C replaced by T.
Protein change: p.Pro130Leu; replaces proline 130 with leucine.
Molecular consequence: missense variant.
Genome position (GRCh38, 1-based): chr14:24,163,402, C>T. VCF-style: chr14-24163402-C-T. GRCh37 (hg19) VCF-style: chr14-24632611-C-T.
Other names: c.389C>T, p.Pro130Leu (NM_001385400.1, NM_001385401.1, NM_001385402.1); short protein forms P130L.
Identifiers: ClinVar variation 2171296 (VCV002171296.4), dbSNP rs756626683, ClinGen allele CA7126431.

ClinVar aggregate classification (germline): Uncertain significance (1 of 4 stars; one submission).

Allele frequency attached by ClinVar (database versions not stated): TOPMed 0.00001.
gnomAD v4.1: 28 of 1,614,106 alleles (0.0017%); highest among the groups gnomAD compares: Middle Eastern, 0.049%; no homozygotes.

Submission:

Labcorp Genetics (formerly Invitae), Labcorp
Classification: Uncertain significance. Last evaluated: 2024-03-11. Review status: criteria provided, single submitter. Criteria: Invitae Variant Classification Sherloc (09022015). Collection method: clinical testing. Allele origin: germline.
Comment: This sequence change replaces proline, which is neutral and non-polar, with leucine, which is neutral and non-polar, at codon 130 of the IRF9 protein (p.Pro130Leu). This variant is present in population databases (rs756626683, gnomAD 0.002%). This variant has not been reported in the literature in individuals affected with IRF9-related conditions. ClinVar contains an entry for this variant (Variation ID: 2171296). An algorithm developed to predict the effect of missense changes on protein structure and function (PolyPhen-2) suggests that this variant is likely to be disruptive. In summary, the available evidence is currently insufficient to determine the role of this variant in disease. Therefore, it has been classified as a Variant of Uncertain Significance.